The following is an entry in ClinVar:

NM_001854.4(COL11A1):c.560C>T (p.Thr187Met)

Gene: COL11A1 (collagen type XI alpha 1 chain; minus strand). Cytogenetic location: 1p21.1.
Variant type: single nucleotide variant.
Coding change: c.560C>T on transcript NM_001854.4 (MANE Select); coding-DNA position 560, C replaced by T.
Protein change: p.Thr187Met; replaces threonine 187 with methionine.
Molecular consequence: missense variant. On other transcripts: non-coding transcript variant (1).
Genome position (GRCh38, 1-based): chr1:103,074,709, G>A on the plus strand (C>T on the coding strand, the complement: COL11A1 is on the minus strand). VCF-style: chr1-103074709-G-A. GRCh37 (hg19) VCF-style: chr1-103540265-G-A.
Other names: c.560C>T, p.Thr187Met (NM_001190709.2, NM_080629.3, NM_080630.4); short protein forms T187M.
Identifiers: ClinVar variation 735068 (VCV000735068.21), dbSNP rs184606223, ClinGen allele CA975411.

ClinVar aggregate classification (germline): Conflicting classifications of pathogenicity. Review status: criteria provided, conflicting classifications (1 of 4 stars). 6 submissions from 6 submitters: Uncertain significance (5); Likely benign (1). Last evaluated 2026-01-18.

Conditions:
Fibrochondrogenesis 1 (FBCG1). Identifiers: Orphanet 2021, MedGen C3278138, MONDO:0009226, OMIM 228520.
COL11A1-related disorder. Also called: COL11A1-related disorders; COL11A1-related condition.

Allele frequency attached by ClinVar (database versions not stated): TOPMed 0.00028; 1000 Genomes Project 0.00060; 1000 Genomes Project 30x 0.00062.
gnomAD v4.1: 135 of 1,613,290 alleles (0.0084%); highest among the groups gnomAD compares: East Asian, 0.22%; 1 homozygote.

Submissions (6):

Labcorp Genetics (formerly Invitae), Labcorp
Classification: Likely benign. Last evaluated: 2026-01-18. Review status: criteria provided, single submitter. Criteria: Invitae Variant Classification Sherloc (09022015). Collection method: clinical testing. Allele origin: germline.

GeneDx
Classification: Uncertain significance. Last evaluated: 2025-12-06. Review status: criteria provided, single submitter. Criteria: GeneDx Variant Classification Process June 2021. Collection method: clinical testing. Allele origin: germline. Affected: yes.
Comment: Reported in association with early-onset sensorineural hearing loss in published literature (PMID: 23967202, 23767834); however, detailed clinical information not provided; Identified in an individual with a second COL11A1 variant on the opposite allele (in trans) from a cohort of newborns with multiple congenital anomalies (PMID: 33502061); In silico analysis supports that this missense variant has a deleterious effect on protein structure/function; Not located in the triple helical region, where the majority of pathogenic missense variants occur (HGMD; PMID: 25240749); This variant is associated with the following publications: (PMID: 31106028, 34426522, 32112773, 23967202, 23767834, 33502061, 25240749)

Blueprint Genetics
Classification: Uncertain significance. Last evaluated: 2023-09-22. Review status: criteria provided, single submitter. Criteria: ACMG Guidelines, 2015. Collection method: clinical testing. Allele origin: germline.

PreventionGenetics, part of Exact Sciences
Classification: Uncertain significance for COL11A1-related condition. Last evaluated: 2023-08-03. Review status: criteria provided, single submitter. Criteria: ACMG Guidelines, 2015. Collection method: clinical testing. Allele origin: germline.
Comment: The COL11A1 c.560C>T variant is predicted to result in the amino acid substitution p.Thr187Met. This variant was reported in an individual with early onset hearing loss (Table S2, Miyagawa. 2013. PubMed ID: 23967202) and in the compound heterozygous state along with another potentially disease causing variant in a patient with multiple congenital anomalies (Table S2, Wang. 2021. PubMed ID: 33502061). This variant is reported in 0.38% of alleles in individuals of East Asian descent in gnomAD, which is likely too high to be a fully penetrant disease causing variant for autosomal dominant disease in this gene. At this time, the clinical significance of this variant is uncertain due to the absence of conclusive functional and genetic evidence.

Revvity Omics, Revvity
Classification: Uncertain significance. Last evaluated: 2020-04-05. Review status: criteria provided, single submitter. Criteria: ACMG Guidelines, 2015. Collection method: clinical testing. Allele origin: germline.

Mendelics
Classification: Uncertain significance for Fibrochondrogenesis 1. Last evaluated: 2019-05-28. Review status: criteria provided, single submitter. Criteria: Mendelics Assertion Criteria 2017. Collection method: clinical testing. Allele origin: unknown.